The following is an entry in ClinVar:

ClinVar aggregate classification (germline): Uncertain significance. Review status: criteria provided, multiple submitters, no conflicts (2 of 4 stars). 2 submissions from 2 submitters: Uncertain significance (2). Last evaluated 2025-03-23.

Conditions:
PMM2-congenital disorder of glycosylation. Also called: Congenital disorder of glycosylation, type Ia; CARBOHYDRATE-DEFICIENT GLYCOPROTEIN SYNDROME, TYPE Ia; PMM2-CDG; CDG Ia; JAEKEN SYNDROME; PHOSPHOMANNOMUTASE 2 DEFICIENCY. Identifiers: Orphanet 79318, MedGen C0349653, MONDO:0008907, OMIM 212065.
Inborn genetic diseases. Identifiers: MedGen C0950123, MeSH D030342.

Allele frequency attached by ClinVar (database versions not stated): gnomAD exomes 0.00005; ExAC 0.00011.
gnomAD v4.1: 78 of 1,611,614 alleles (0.0048%); highest among the groups gnomAD compares: South Asian, 0.083%; no homozygotes.

Submissions (2):

Ambry Genetics
Classification: Uncertain significance for Inborn genetic diseases. Last evaluated: 2025-03-23. Review status: criteria provided, single submitter. Criteria: Ambry Variant Classification Scheme 2023. Collection method: clinical testing. Allele origin: germline.

Labcorp Genetics (formerly Invitae), Labcorp
Classification: Uncertain significance for PMM2-congenital disorder of glycosylation. Last evaluated: 2022-03-12. Review status: criteria provided, single submitter. Criteria: Invitae Variant Classification Sherloc (09022015). Collection method: clinical testing. Allele origin: germline.
Comment: This sequence change replaces tyrosine, which is neutral and polar, with cysteine, which is neutral and slightly polar, at codon 201 of the PMM2 protein (p.Tyr201Cys). This variant is present in population databases (rs752007606, gnomAD 0.09%). This variant has not been reported in the literature in individuals affected with PMM2-related conditions. Advanced modeling of protein sequence and biophysical properties (such as structural, functional, and spatial information, amino acid conservation, physicochemical variation, residue mobility, and thermodynamic stability) performed at Invitae indicates that this missense variant is expected to disrupt PMM2 protein function. Algorithms developed to predict the effect of sequence changes on RNA splicing suggest that this variant may create or strengthen a splice site. In summary, the available evidence is currently insufficient to determine the role of this variant in disease. Therefore, it has been classified as a Variant of Uncertain Significance.

NM_000303.3(PMM2):c.602A>G (p.Tyr201Cys)

Gene: PMM2 (phosphomannomutase 2; plus strand). Cytogenetic location: 16p13.2.
Variant type: single nucleotide variant.
Coding change: c.602A>G on transcript NM_000303.3 (MANE Select); coding-DNA position 602, A replaced by G.
Protein change: p.Tyr201Cys; replaces tyrosine 201 with cysteine.
Molecular consequence: missense variant.
Genome position (GRCh38, 1-based): chr16:8,813,069, A>G. VCF-style: chr16-8813069-A-G. GRCh37 (hg19) VCF-style: chr16-8906926-A-G.
Other names: c.602A>G (NM_000303.2); short protein forms Y201C.
Identifiers: ClinVar variation 2056020 (VCV002056020.2), dbSNP rs752007606, ClinGen allele CA7894147.